The following is an entry in ClinVar:

ClinVar aggregate classification (germline): Uncertain significance (1 of 4 stars; one submission).

Submission:

GeneDx
Classification: Uncertain significance. Last evaluated: 2023-11-19. Review status: criteria provided, single submitter. Criteria: GeneDx Variant Classification Process June 2021. Collection method: clinical testing. Allele origin: germline. Affected: yes.
Comment: Not observed at significant frequency in large population cohorts (gnomAD); In silico analysis supports that this missense variant has a deleterious effect on protein structure/function; Has not been previously published as pathogenic or benign to our knowledge

NM_000875.5(IGF1R):c.668C>A (p.Ala223Glu)

Gene: IGF1R (insulin like growth factor 1 receptor; plus strand). Cytogenetic location: 15q26.3.
Variant type: single nucleotide variant.
Coding change: c.668C>A on transcript NM_000875.5 (MANE Select); coding-DNA position 668, C replaced by A.
Protein change: p.Ala223Glu; replaces alanine 223 with glutamic acid.
Molecular consequence: missense variant.
Genome position (GRCh38, 1-based): chr15:98,891,352, C>A. VCF-style: chr15-98891352-C-A. GRCh37 (hg19) VCF-style: chr15-99434581-C-A.
Other names: c.668C>A, p.Ala223Glu (NM_001291858.2); short protein forms A223E.
Identifiers: ClinVar variation 3364651 (VCV003364651.1).